The following is an entry in ClinVar:

ClinVar aggregate classification (germline): Pathogenic/Likely pathogenic. Review status: criteria provided, multiple submitters, no conflicts (2 of 4 stars). 2 submissions from 2 submitters: Pathogenic (1); Likely pathogenic (1). Last evaluated 2026-05-19.

Conditions:
ABCB4-related disorder. Also called: ABCB4-related disorders; ABCB4-related condition.

Submissions (2):

PreventionGenetics, part of Exact Sciences
Classification: Likely pathogenic for ABCB4-related condition. Last evaluated: 2026-05-19. Review status: criteria provided, single submitter. Criteria: ACMG Guidelines, 2015. Collection method: clinical testing. Allele origin: germline.
Comment: The ABCB4 c.1690_1702del13 variant is predicted to result in a frameshift and premature protein termination (p.Asp564Lysfs*19). To our knowledge, this variant has not been previously reported in the literature. This variant has not been reported in a large population database (gnomAD), indicating this variant is rare. Frameshift variants in ABCB4 are expected to be pathogenic. This variant is interpreted as likely pathogenic.

Labcorp Genetics (formerly Invitae), Labcorp
Classification: Pathogenic. Last evaluated: 2025-05-18. Review status: criteria provided, single submitter. Criteria: Invitae Variant Classification Sherloc (09022015). Collection method: clinical testing. Allele origin: germline.
Comment: This sequence change creates a premature translational stop signal (p.Asp564Lysfs*19) in the ABCB4 gene. It is expected to result in an absent or disrupted protein product. Loss-of-function variants in ABCB4 are known to be pathogenic (PMID: 17726488, 25755532). This variant is not present in population databases (gnomAD no frequency). This variant has not been reported in the literature in individuals affected with ABCB4-related conditions. ClinVar contains an entry for this variant (Variation ID: 2777505). For these reasons, this variant has been classified as Pathogenic.

Literature cited by the submitters: PubMed 17726488 (cited by Labcorp Genetics (formerly Invitae), Labcorp); PubMed 25755532 (cited by Labcorp Genetics (formerly Invitae), Labcorp).

NM_000443.4(ABCB4):c.1690_1702del (p.Asp564fs)

Gene: ABCB4 (ATP binding cassette subfamily B member 4; minus strand). Cytogenetic location: 7q21.12.
Variant type: Deletion.
Coding change: c.1690_1702del on transcript NM_000443.4 (MANE Select); coding-DNA positions 1690 to 1702, 13 bases deleted (GACACAGAAAGTG).
Protein change: p.Asp564fs; shifts the reading frame from aspartic acid 564.
Molecular consequence: frameshift variant.
Genome position (GRCh38, 1-based): chr7:87,439,696-87,439,708, CACTTTCTGTGTC deleted on the plus strand (GACACAGAAAGTG on the coding strand, the reverse complement: ABCB4 is on the minus strand); deleting any 13 consecutive bases within chr7:87,439,696-87,439,710 gives the same sequence; the c. name uses the placement nearest the transcript's 3' end. VCF-style (leftmost placement, unchanged base first): chr7-87439695-TCACTTTCTGTGTC-T. GRCh37 (hg19) VCF-style: chr7-87069011-TCACTTTCTGTGTC-T.
Other names: c.1690_1702del, p.Asp564fs (NM_018849.3, NM_018850.3); c.1690_1702del13 (NM_000443.3); short protein forms D564fs.
Identifiers: ClinVar variation 2777505 (VCV002777505.4), dbSNP rs1250100253, ClinGen allele CA843379323.